The following is an entry in ClinVar:

NM_000019.4(ACAT1):c.759T>A (p.Asp253Glu)

Gene: ACAT1 (acetyl-CoA acetyltransferase 1; plus strand). Cytogenetic location: 11q22.3.
Variant type: single nucleotide variant.
Coding change: c.759T>A on transcript NM_000019.4 (MANE Select); coding-DNA position 759, T replaced by A.
Protein change: p.Asp253Glu; replaces aspartic acid 253 with glutamic acid.
Molecular consequence: missense variant.
Genome position (GRCh38, 1-based): chr11:108,141,633, T>A. VCF-style: chr11-108141633-T-A. GRCh37 (hg19) VCF-style: chr11-108012360-T-A.
Other names: short protein forms D253E.
Identifiers: ClinVar variation 666500 (VCV000666500.3), dbSNP rs983216159, ClinGen allele CA228356392.

ClinVar aggregate classification (germline): Likely pathogenic. Review status: criteria provided, multiple submitters, no conflicts (2 of 4 stars). 3 submissions from 3 submitters: Likely pathogenic (3). Last evaluated 2025-04-09.

Conditions:
Deficiency of acetyl-CoA acetyltransferase. Also called: 3-KETOTHIOLASE DEFICIENCY; 3-OXOTHIOLASE DEFICIENCY; Beta-ketothiolase deficiency; MITOCHONDRIAL ACETOACETYL-CoA THIOLASE DEFICIENCY. Identifiers: Orphanet 134, MedGen C1536500, MONDO:0008760, OMIM 203750. Disease mechanism: loss of function.

Allele frequency attached by ClinVar (database versions not stated): gnomAD exomes below 0.00001.

Submissions (3):

Natera, Inc.
Classification: Likely pathogenic for Alpha-methylacetoacetic aciduria. Last evaluated: 2025-04-09. Review status: criteria provided, single submitter. Criteria: Natera Variant Classification Schema (03/2026). Collection method: clinical testing. Allele origin: germline.
Comment: The c.759T>A variant in ACAT1 is a missense variant predicted to cause substitution of aspartic acid to glutamic acid at amino acid 253. This variant is rare in the general population with a frequency below the threshold expected for the associated phenotype(s). This variant has been observed in one or more individuals affected with the associated recessive disease, as either homozygous or compound heterozygous with a second variant (PMID: 30393371). This variant has been identified in one or more affected individual with a phenotype highly consistent with the associated gene (PMID: 30393371). Functional studies show that this variant may disrupt protein function (PMID: 39505524). Computational prediction algorithms indicate this variant is likely to affect gene or protein function. Given the available evidence, this variant is classified as Likely Pathogenic.

Women's Health and Genetics/Laboratory Corporation of America, LabCorp
Classification: Likely pathogenic for Deficiency of acetyl-CoA acetyltransferase. Last evaluated: 2024-10-17. Review status: criteria provided, single submitter. Criteria: LabCorp Variant Classification Summary - May 2015. Collection method: clinical testing. Allele origin: germline.
Comment: Variant summary: ACAT1 c.759T>A (p.Asp253Glu) results in a conservative amino acid change located in the Thiolase, N-terminal domain of the encoded protein sequence. Four of five in-silico tools predict a damaging effect of the variant on protein function. The variant was absent in 250874 control chromosomes. c.759T>A has been reported in the literature in at-least one individual affected with Alpha-Methylacetoacetic Aciduria (example: Fukao_2018). At least one publication reports experimental evidence evaluating an impact on protein function. The most pronounced variant effect results in <10% of normal activity (Fukao_2001). The following publications have been ascertained in the context of this evaluation (PMID: 31268215, 30393371, 11161836). ClinVar contains an entry for this variant (Variation ID: 666500). Based on the evidence outlined above, the variant was classified as likely pathogenic.

Department of Pediatrics, Gifu University
Classification: Likely pathogenic for Deficiency of acetyl-CoA acetyltransferase. Last evaluated: 2019-05-05. Review status: criteria provided, single submitter. Criteria: ACMG Guidelines, 2015. Collection method: research. Allele origin: germline. Affected: yes. Observed: 1 variant allele.

Literature cited by the submitters: PubMed 30393371 (cited by Natera, Inc. and Women's Health and Genetics/Laboratory Corporation of America, LabCorp); PubMed 39505524 (cited by Natera, Inc.); PubMed 31268215 (cited by Women's Health and Genetics/Laboratory Corporation of America, LabCorp and Department of Pediatrics, Gifu University); PubMed 11161836 (cited by Women's Health and Genetics/Laboratory Corporation of America, LabCorp and Department of Pediatrics, Gifu University).